The following is an entry in ClinVar:

NM_016148.5(SHANK1):c.2691C>G (p.Asp897Glu)

Gene: SHANK1 (SH3 and multiple ankyrin repeat domains 1; minus strand). Cytogenetic location: 19q13.33.
Variant type: single nucleotide variant.
Coding change: c.2691C>G on transcript NM_016148.5 (MANE Select); coding-DNA position 2691, C replaced by G.
Protein change: p.Asp897Glu; replaces aspartic acid 897 with glutamic acid.
Molecular consequence: missense variant.
Genome position (GRCh38, 1-based): chr19:50,669,269, G>C on the plus strand (C>G on the coding strand, the complement: SHANK1 is on the minus strand). VCF-style: chr19-50669269-G-C. GRCh37 (hg19) VCF-style: chr19-51172526-G-C.
Other names: c.2691C>G (NM_016148.2); short protein forms D897E.
Identifiers: ClinVar variation 3060082 (VCV003060082.3), dbSNP rs41275782, ClinGen allele CA9601365.

ClinVar aggregate classification (germline): Benign. Review status: criteria provided, single submitter (1 of 4 stars). 2 submissions from 2 submitters: Benign (1). 1 of the submissions does not count toward it. Last evaluated 2021-08-03.

Conditions:
SHANK1-related disorder. Also called: SHANK1-related condition.

Allele frequency attached by ClinVar (database versions not stated): TOPMed 0.06227; ExAC 0.07153; gnomAD exomes 0.04055; ESP Exome Variant Server 0.06331; 1000 Genomes Project 0.08167; gnomAD 0.06092; 1000 Genomes Project 30x 0.08120.
gnomAD v4.1: 69,134 of 1,609,686 alleles (4.3%); highest among the groups gnomAD compares: African/African-American, 11%; 2,182 homozygotes.

Submissions (2):

GeneDx
Classification: Benign. Last evaluated: 2021-08-03. Review status: criteria provided, single submitter. Criteria: GeneDx Variant Classification Process June 2021. Collection method: clinical testing. Allele origin: germline.
Comment: See Variant Classification Assertion Criteria.

PreventionGenetics, part of Exact Sciences
Classification: Benign for SHANK1-related condition. Last evaluated: 2019-11-13. Review status: no assertion criteria provided. Collection method: clinical testing. Allele origin: germline. Not counted in ClinVar's aggregate classification.
Comment: This variant is classified as benign based on ACMG/AMP sequence variant interpretation guidelines (Richards et al. 2015 PMID: 25741868, with internal and published modifications).